The following is an entry in ClinVar:

ClinVar aggregate classification (germline): Likely benign. Review status: criteria provided, single submitter (1 of 4 stars). 2 submissions from 2 submitters: Likely benign (1). 1 of the submissions does not count toward it. Last evaluated 2024-01-30.

Conditions:
Primary ciliary dyskinesia 33. Also called: CILIARY DYSKINESIA, PRIMARY, 33, WITHOUT SITUS INVERSUS. Identifiers: Orphanet 244, MedGen C4225230, MONDO:0014750, OMIM 616726.
GAS8-related disorder. Also called: GAS8-related condition.

Allele frequency attached by ClinVar (database versions not stated): gnomAD exomes below 0.00001; TOPMed below 0.00001; gnomAD 0.00001.
gnomAD v4.1: 5 of 1,611,600 alleles (0.00031%); highest among the groups gnomAD compares: South Asian, 0.0011%; no homozygotes.

Submissions (2):

Labcorp Genetics (formerly Invitae), Labcorp
Classification: Likely benign for Primary ciliary dyskinesia 33. Last evaluated: 2024-01-30. Review status: criteria provided, single submitter. Criteria: Invitae Variant Classification Sherloc (09022015). Collection method: clinical testing. Allele origin: germline.

PreventionGenetics, part of Exact Sciences
Classification: Likely benign for GAS8-related condition. Last evaluated: 2023-11-29. Review status: no assertion criteria provided. Collection method: clinical testing. Allele origin: germline. Not counted in ClinVar's aggregate classification.
Comment: This variant is classified as likely benign based on ACMG/AMP sequence variant interpretation guidelines (Richards et al. 2015 PMID: 25741868, with internal and published modifications).

NM_001481.3(DRC4):c.1296C>T (p.Asn432=)

Gene: DRC4 (dynein regulatory complex subunit 4; plus strand). Cytogenetic location: 16q24.3.
Variant type: single nucleotide variant.
Coding change: c.1296C>T on transcript NM_001481.3 (MANE Select); coding-DNA position 1296, C replaced by T.
Protein change: p.Asn432=; no amino-acid change (asparagine 432 retained).
Molecular consequence: synonymous variant. On other transcripts: non-coding transcript variant (1).
Genome position (GRCh38, 1-based): chr16:90,043,204, C>T. VCF-style: chr16-90043204-C-T. GRCh37 (hg19) VCF-style: chr16-90109612-C-T.
Other names: c.1047C>T, p.Asn349= (NM_001286205.2); c.720C>T, p.Asn240= (NM_001286208.2); c.1221C>T, p.Asn407= (NM_001286209.2); c.1296C>T (NM_001481.2).
Identifiers: ClinVar variation 2085246 (VCV002085246.6), dbSNP rs968584918, ClinGen allele CA286670699.